The following is an entry in ClinVar:

ClinVar aggregate classification (germline): Uncertain significance (1 of 4 stars; one submission).

gnomAD v4.1: 1 of 1,556,684 alleles (0.000064%); highest among the groups gnomAD compares: Non-Finnish European, 0.000086%; no homozygotes.

Submission:

GeneDx
Classification: Uncertain significance. Last evaluated: 2025-07-03. Review status: criteria provided, single submitter. Criteria: GeneDx Variant Classification Process June 2021. Collection method: clinical testing. Allele origin: germline. Affected: yes.
Comment: In silico analysis supports that this missense variant has a deleterious effect on protein structure/function; Has not been previously published as pathogenic or benign to our knowledge

NM_020795.4(NLGN2):c.146G>A (p.Gly49Glu)

Gene: NLGN2 (neuroligin 2; plus strand). Cytogenetic location: 17p13.1.
Variant type: single nucleotide variant.
Coding change: c.146G>A on transcript NM_020795.4 (MANE Select); coding-DNA position 146, G replaced by A.
Protein change: p.Gly49Glu; replaces glycine 49 with glutamic acid.
Molecular consequence: missense variant.
Genome position (GRCh38, 1-based): chr17:7,408,401, G>A. VCF-style: chr17-7408401-G-A. GRCh37 (hg19) VCF-style: chr17-7311720-G-A.
Other names: short protein forms G49E.
Identifiers: ClinVar variation 4685107 (VCV004685107.1).